The following is an entry in ClinVar:

NM_014271.4(IL1RAPL1):c.1876C>T (p.Arg626Ter)

Gene: IL1RAPL1 (interleukin 1 receptor accessory protein like 1; plus strand). Cytogenetic location: Xp21.2.
Variant type: single nucleotide variant.
Coding change: c.1876C>T on transcript NM_014271.4 (MANE Select); coding-DNA position 1876, C replaced by T.
Protein change: p.Arg626Ter; replaces arginine 626 with a stop codon.
Molecular consequence: nonsense.
Genome position (GRCh38, 1-based): chrX:29,955,605, C>T. VCF-style: chrX-29955605-C-T. GRCh37 (hg19) VCF-style: chrX-29973722-C-T.
Other names: short protein forms R626*.
Identifiers: ClinVar variation 2575941 (VCV002575941.1), dbSNP rs2518941432, ClinGen allele CA412635242.

ClinVar aggregate classification (germline): Uncertain significance (1 of 4 stars; one submission).

Submission:

Institute for Clinical Genetics, University Hospital TU Dresden, University Hospital TU Dresden
Classification: Uncertain significance. Last evaluated: 2022-02-17. Review status: criteria provided, single submitter. Criteria: ACMG Guidelines, 2015. Collection method: clinical testing. Allele origin: germline.
Comment: PM2_SUP, PVS1_STR